The following is an entry in ClinVar:

ClinVar aggregate classification (germline): Pathogenic/Likely pathogenic. Review status: criteria provided, multiple submitters, no conflicts (2 of 4 stars). 3 submissions from 3 submitters: Pathogenic (2); Likely pathogenic (1). Last evaluated 2026-05-18.

Conditions:
Epilepsy, childhood absence, susceptibility to, 5. Identifiers: Orphanet 64280, MedGen C2677087, MONDO:0012843, OMIM 612269.
Epilepsy, childhood absence, susceptibility to, 1. Also called: Epilepsy, childhood absence 1. Identifiers: Orphanet 64280, MedGen C1838604, MONDO:0020759, OMIM 600131.
Inborn genetic diseases. Identifiers: MedGen C0950123, MeSH D030342.
Seizure. Also called: Seizures. Identifiers: MedGen C0036572, HP:0001250.

Submissions (3):

Ambry Genetics
Classification: Pathogenic for Inborn genetic diseases. Last evaluated: 2026-05-18. Review status: criteria provided, single submitter. Criteria: Ambry Variant Classification Scheme 2023. Collection method: clinical testing. Allele origin: germline.
Comment: The c.551A>G (p.Y184C) alteration is located in exon 6 (coding exon 6) of the GABRB3 gene. This alteration results from an A to G substitution at nucleotide position 551, causing the tyrosine (Y) at amino acid position 184 to be replaced by a cysteine (C). This variant was not reported in population-based cohorts in the Genome Aggregation Database (gnomAD). Other variant(s) at the same codon, c.550T>C (p.Y184H), have been identified in individual(s) with features consistent with GABRB3-related seizure disorder (M&oslash;ller, 2017). This amino acid position is highly conserved in available vertebrate species. This missense variant is located in a region that has a low rate of benign missense variation (Lek, 2016; Firth, 2009). This alteration is predicted to be deleterious by in silico analysis. Based on the available evidence, this alteration is classified as pathogenic.

Labcorp Genetics (formerly Invitae), Labcorp
Classification: Pathogenic for Epilepsy, childhood absence, susceptibility to, 5; Epilepsy, childhood absence, susceptibility to, 1. Last evaluated: 2024-08-06. Review status: criteria provided, single submitter. Criteria: Invitae Variant Classification Sherloc (09022015). Collection method: clinical testing. Allele origin: germline.
Comment: This sequence change replaces tyrosine, which is neutral and polar, with cysteine, which is neutral and slightly polar, at codon 184 of the GABRB3 protein (p.Tyr184Cys). This variant is not present in population databases (gnomAD no frequency). This missense change has been observed in individual(s) with clinical features of early infantile epileptic encephalopathy (Invitae). In at least one individual the variant was observed to be de novo. Advanced modeling of protein sequence and biophysical properties (such as structural, functional, and spatial information, amino acid conservation, physicochemical variation, residue mobility, and thermodynamic stability) performed at Invitae indicates that this missense variant is expected to disrupt GABRB3 protein function with a positive predictive value of 95%. For these reasons, this variant has been classified as Pathogenic.

Cytogénomique, Hospices Civils de Lyon
Classification: Likely pathogenic for seizures. Last evaluated: 2024-05-03. Review status: criteria provided, single submitter. Criteria: ACMG Guidelines, 2015. Collection method: clinical testing. Allele origin: unknown. Affected: yes. Observed: 1 variant allele, 1 heterozygote.

Literature cited by the submitters: PubMed 28053010 (cited by Ambry Genetics).

NM_000814.6(GABRB3):c.551A>G (p.Tyr184Cys)

Gene: GABRB3 (gamma-aminobutyric acid type A receptor subunit beta3; minus strand). Cytogenetic location: 15q12.
Variant type: single nucleotide variant.
Coding change: c.551A>G on transcript NM_000814.6 (MANE Select); coding-DNA position 551, A replaced by G.
Protein change: p.Tyr184Cys; replaces tyrosine 184 with cysteine.
Molecular consequence: missense variant.
Genome position (GRCh38, 1-based): chr15:26,580,450, T>C on the plus strand (A>G on the coding strand, the complement: GABRB3 is on the minus strand). VCF-style: chr15-26580450-T-C. GRCh37 (hg19) VCF-style: chr15-26825597-T-C.
Other names: c.551A>G (NM_000814.5); c.296A>G, p.Tyr99Cys (NM_001191320.2, NM_001278631.2); c.338A>G, p.Tyr113Cys (NM_001191321.3); c.551A>G, p.Tyr184Cys (NM_021912.5); short protein forms Y184C, Y113C, Y99C.
Identifiers: ClinVar variation 2944889 (VCV002944889.6), dbSNP rs2504205415, ClinGen allele CA391464237.